The following is an entry in ClinVar:

NM_002150.3(HPD):c.290C>A (p.Ala97Glu)

Genes: HPD (4-hydroxyphenylpyruvate dioxygenase; minus strand), TIALD (transcript inducer of AURKA lysosomal degradation; plus strand), LOC126861662 (MED14-independent group 3 enhancer GRCh37_chr12:122293687-122294886; plus strand). Cytogenetic location: 12q24.31.
Variant type: single nucleotide variant.
Coding change: c.290C>A on transcript NM_002150.3 (MANE Select); coding-DNA position 290, C replaced by A.
Protein change: p.Ala97Glu; replaces alanine 97 with glutamic acid.
Molecular consequence: missense variant.
Genome position (GRCh38, 1-based): chr12:121,856,358, G>T on the plus strand (C>A on the coding strand, the complement: HPD is on the minus strand). VCF-style: chr12-121856358-G-T. GRCh37 (hg19) VCF-style: chr12-122294264-G-T.
Other names: c.173C>A, p.Ala58Glu (NM_001171993.2); short protein forms A97E, A58E.
Identifiers: ClinVar variation 4996768 (VCV004996768.1).
Genomic context (GRCh38, chr12:121,856,358, plus strand): 5'-CTCAGTCCACCCAGGTGCTTTCTTACCTGCACGATGTAGTCACAATCTTCCACCTCGAAC[G>T]CAATGTCCTTCACTCCGTCACCGTGTTTCACCAGGTGATCGCCCATCTCTGTGGCCGGCA-3'
Protein context (NP_002141.2, residues 87-107): VKHGDGVKDI[Ala97Glu]FEVEDCDYIV

ClinVar aggregate classification (germline): Uncertain significance (1 of 4 stars; one submission).

Conditions:
HPD-related disorder. Also called: HPD-related condition.

gnomAD v4.1: 4 of 1,614,022 alleles (0.00025%); highest among the groups gnomAD compares: East Asian, 0.0022%; no homozygotes.

Submission:

PreventionGenetics, part of Exact Sciences
Classification: Uncertain significance for HPD-related condition. Last evaluated: 2024-12-18. Review status: criteria provided, single submitter. Criteria: ACMG Guidelines, 2015. Collection method: clinical testing. Allele origin: germline.
Comment: The HPD c.290C>A variant is predicted to result in the amino acid substitution p.Ala97Glu. To our knowledge, this variant has not been reported in the literature. This variant is reported in 0.00088% of alleles in individuals of European (Non-Finnish) descent in gnomAD. At this time, the clinical significance of this variant is uncertain due to the absence of conclusive functional and genetic evidence.